The following is an entry in ClinVar:

NM_001015880.2(PAPSS2):c.1036C>T (p.Arg346Cys)

Gene: PAPSS2 (3'-phosphoadenosine 5'-phosphosulfate synthase 2; plus strand). Cytogenetic location: 10q23.31.
Variant type: single nucleotide variant.
Coding change: c.1036C>T on transcript NM_001015880.2 (MANE Select); coding-DNA position 1036, C replaced by T.
Protein change: p.Arg346Cys; replaces arginine 346 with cysteine.
Molecular consequence: missense variant.
Genome position (GRCh38, 1-based): chr10:87,727,439, C>T. VCF-style: chr10-87727439-C-T. GRCh37 (hg19) VCF-style: chr10-89487196-C-T.
Other names: c.1021C>T, p.Arg341Cys (NM_004670.4); short protein forms R341C, R346C.
Identifiers: ClinVar variation 2140719 (VCV002140719.3), dbSNP rs767711277, ClinGen allele CA5589628.
Genomic context (GRCh38, chr10:87,727,439, plus strand): 5'-GGTGGACGGAGGGTAGCTATCTTACGAGACGCTGAATTCTATGAACACAGAAAAGAGGAA[C>T]GCTGTTCCCGTGTTTGGGGGACAACATGTACAAAACACCCCCATATCAAAGTAAGTCACA-3'
Protein context (NP_001015880.1, residues 336-356): AEFYEHRKEE[Arg346Cys]CSRVWGTTCT

ClinVar aggregate classification (germline): Uncertain significance (1 of 4 stars; one submission).

Conditions:
Spondyloepimetaphyseal dysplasia, PAPSS2 type. Also called: SEMD, PAKISTANI TYPE; BRACHYOLMIA TYPE 4 WITH MILD EPIPHYSEAL AND METAPHYSEAL CHANGES; SPONDYLODYSPLASIA AND PREMATURE PUBARCHE. Identifiers: Orphanet 93282, MedGen C2748516, MONDO:0019666, OMIM 612847.

Allele frequency attached by ClinVar (database versions not stated): ExAC 0.00002; gnomAD 0.00002; gnomAD exomes below 0.00001; TOPMed 0.00001.
gnomAD v4.1: 10 of 1,613,942 alleles (0.00062%); highest among the groups gnomAD compares: Middle Eastern, 0.016%; no homozygotes.

Submission:

Labcorp Genetics (formerly Invitae), Labcorp
Classification: Uncertain significance for Spondyloepimetaphyseal dysplasia, PAPSS2 type. Last evaluated: 2022-02-09. Review status: criteria provided, single submitter. Criteria: Invitae Variant Classification Sherloc (09022015). Collection method: clinical testing. Allele origin: germline.
Comment: In summary, the available evidence is currently insufficient to determine the role of this variant in disease. Therefore, it has been classified as a Variant of Uncertain Significance. Algorithms developed to predict the effect of missense changes on protein structure and function (SIFT, PolyPhen-2, Align-GVGD) all suggest that this variant is likely to be disruptive. This variant has not been reported in the literature in individuals affected with PAPSS2-related conditions. This variant is present in population databases (rs767711277, gnomAD 0.006%). This sequence change replaces arginine, which is basic and polar, with cysteine, which is neutral and slightly polar, at codon 346 of the PAPSS2 protein (p.Arg346Cys).